The following is an entry in ClinVar:

NM_133497.4(KCNV2):c.580T>C (p.Tyr194His)

Gene: KCNV2 (potassium voltage-gated channel modifier subfamily V member 2; plus strand). Cytogenetic location: 9p24.2.
Variant type: single nucleotide variant.
Coding change: c.580T>C on transcript NM_133497.4 (MANE Select); coding-DNA position 580, T replaced by C.
Protein change: p.Tyr194His; replaces tyrosine 194 with histidine.
Molecular consequence: missense variant.
Genome position (GRCh38, 1-based): chr9:2,718,319, T>C. VCF-style: chr9-2718319-T-C. GRCh37 (hg19) VCF-style: chr9-2718319-T-C.
Other names: c.580T>C (NM_133497.3); short protein forms Y194H.
Identifiers: ClinVar variation 1522974 (VCV001522974.7), dbSNP rs373342305, ClinGen allele CA187972092.
Genomic context (GRCh38, chr9:2,718,319, plus strand): 5'-GACGGGCTGTGTCCGCGCCGCTTCCTGGAGGAGCTGGGCTACTGGGGCGTGCGGCTCAAG[T>C]ACACGCCACGCTGCTGCCGCATCTGCTTCGAGGAGCGGCGCGACGAGCTGAGCGAACGGC-3'
Protein context (NP_598004.1, residues 184-204): ELGYWGVRLK[Tyr194His]TPRCCRICFE

ClinVar aggregate classification (germline): Uncertain significance. Review status: criteria provided, multiple submitters, no conflicts (2 of 4 stars). 3 submissions from 3 submitters: Uncertain significance (3). Last evaluated 2024-06-17.

Conditions:
Inborn genetic diseases. Identifiers: MedGen C0950123, MeSH D030342.

Allele frequency attached by ClinVar (database versions not stated): gnomAD 0.00003 and 0.00004; TOPMed 0.00003.
gnomAD v4.1: 73 of 1,606,060 alleles (0.0045%); highest among the groups gnomAD compares: Non-Finnish European, 0.0059%; no homozygotes.

Submissions (3):

Blueprint Genetics
Classification: Uncertain significance. Last evaluated: 2024-06-17. Review status: criteria provided, single submitter. Criteria: ACMG Guidelines, 2015. Collection method: clinical testing. Allele origin: germline.

Ambry Genetics
Classification: Uncertain significance for Inborn genetic diseases. Last evaluated: 2024-04-15. Review status: criteria provided, single submitter. Criteria: Ambry Variant Classification Scheme 2023. Collection method: clinical testing. Allele origin: germline.

Labcorp Genetics (formerly Invitae), Labcorp
Classification: Uncertain significance. Last evaluated: 2022-07-12. Review status: criteria provided, single submitter. Criteria: Invitae Variant Classification Sherloc (09022015). Collection method: clinical testing. Allele origin: germline.
Comment: This sequence change replaces tyrosine, which is neutral and polar, with histidine, which is basic and polar, at codon 194 of the KCNV2 protein (p.Tyr194His). This variant is present in population databases (no rsID available, gnomAD 0.003%). This variant has not been reported in the literature in individuals affected with KCNV2-related conditions. ClinVar contains an entry for this variant (Variation ID: 1522974). Advanced modeling of protein sequence and biophysical properties (such as structural, functional, and spatial information, amino acid conservation, physicochemical variation, residue mobility, and thermodynamic stability) performed at Invitae indicates that this missense variant is not expected to disrupt KCNV2 protein function. In summary, the available evidence is currently insufficient to determine the role of this variant in disease. Therefore, it has been classified as a Variant of Uncertain Significance.